The following is an entry in ClinVar:

NM_001288705.3(CSF1R):c.1975G>A (p.Val659Ile)

Gene: CSF1R (colony stimulating factor 1 receptor; minus strand). Cytogenetic location: 5q32.
Variant type: single nucleotide variant.
Coding change: c.1975G>A on transcript NM_001288705.3 (MANE Select); coding-DNA position 1975, G replaced by A.
Protein change: p.Val659Ile; replaces valine 659 with isoleucine.
Molecular consequence: missense variant.
Genome position (GRCh38, 1-based): chr5:150,059,857, C>T on the plus strand (G>A on the coding strand, the complement: CSF1R is on the minus strand). VCF-style: chr5-150059857-C-T. GRCh37 (hg19) VCF-style: chr5-149439420-C-T.
Other names: c.1975G>A, p.Val659Ile (NM_001349736.2, NM_001375320.1, NM_005211.4); c.1531G>A, p.Val511Ile (NM_001375321.1); short protein forms V511I, V659I.
Identifiers: ClinVar variation 2089286 (VCV002089286.4), dbSNP rs1757423807, ClinGen allele CA361762378.

ClinVar aggregate classification (germline): Uncertain significance (1 of 4 stars; one submission).

Submission:

Labcorp Genetics (formerly Invitae), Labcorp
Classification: Uncertain significance. Last evaluated: 2022-10-11. Review status: criteria provided, single submitter. Criteria: Invitae Variant Classification Sherloc (09022015). Collection method: clinical testing. Allele origin: germline.
Comment: In summary, the available evidence is currently insufficient to determine the role of this variant in disease. Therefore, it has been classified as a Variant of Uncertain Significance. This sequence change replaces valine, which is neutral and non-polar, with isoleucine, which is neutral and non-polar, at codon 659 of the CSF1R protein (p.Val659Ile). Advanced modeling of protein sequence and biophysical properties (such as structural, functional, and spatial information, amino acid conservation, physicochemical variation, residue mobility, and thermodynamic stability) performed at Invitae indicates that this missense variant is not expected to disrupt CSF1R protein function. This variant has not been reported in the literature in individuals affected with CSF1R-related conditions. This variant is not present in population databases (gnomAD no frequency).